The following is an entry in ClinVar:

ClinVar aggregate classification (germline): Uncertain significance (1 of 4 stars; one submission).

Conditions:
Autosomal dominant nonsyndromic hearing loss 20. Identifiers: Orphanet 90635, MedGen C1858172, MONDO:0011480, OMIM 604717.

Submission:

Laboratory of Prof. Karen Avraham, Tel Aviv University
Classification: Uncertain significance for Autosomal dominant nonsyndromic hearing loss 20. Last evaluated: 2024-12-15. Review status: criteria provided, single submitter. Criteria: ACMG Guidelines, 2015. Collection method: research. Allele origin: germline. Affected: yes. Observed: 1 variant allele.
Comment: The ACTG1 c.56C>T:p.(Ala19Val) variant is predicted deleterious by most prediction tools and is very rare. There are many known dominant missense pathogenic variants in the same region of the gene.

NM_001614.5(ACTG1):c.56C>T (p.Ala19Val)

Genes: ACTG1 (actin gamma 1; minus strand), LOC130061940 (ATAC-STARR-seq lymphoblastoid active region 12964; plus strand). Cytogenetic location: 17q25.3.
Variant type: single nucleotide variant.
Coding change: c.56C>T on transcript NM_001614.5 (MANE Select); coding-DNA position 56, C replaced by T.
Protein change: p.Ala19Val; replaces alanine 19 with valine.
Molecular consequence: missense variant. On other transcripts: non-coding transcript variant (1).
Genome position (GRCh38, 1-based): chr17:81,512,299, G>A on the plus strand (C>T on the coding strand, the complement: ACTG1 is on the minus strand). VCF-style: chr17-81512299-G-A. GRCh37 (hg19) VCF-style: chr17-79479325-G-A.
Other names: DFNA26; c.56C>T, p.Ala19Val (NM_001199954.3); short protein forms A19V.
Identifiers: ClinVar variation 3393393 (VCV003393393.1).